The following is an entry in ClinVar:

ClinVar aggregate classification (germline): Uncertain significance. Review status: criteria provided, multiple submitters, no conflicts (2 of 4 stars). 2 submissions from 2 submitters: Uncertain significance (2). Last evaluated 2023-11-01.

Allele frequency attached by ClinVar (database versions not stated): 1000 Genomes Project 30x 0.00016; ExAC 0.00017; gnomAD 0.00017; TOPMed 0.00018; gnomAD exomes 0.00019.
gnomAD v4.1: 307 of 1,610,096 alleles (0.019%); highest among the groups gnomAD compares: Admixed American, 0.052%; no homozygotes.

Submissions (2):

CeGaT Center for Human Genetics Tuebingen
Classification: Uncertain significance. Last evaluated: 2023-11-01. Review status: criteria provided, single submitter. Criteria: CeGaT Center For Human Genetics Tuebingen Variant Classification Criteria Version 2. Collection method: clinical testing. Allele origin: germline. Affected: yes. Observed: 1 variant allele.
Comment: SHANK2: PM2, BP4

Breakthrough Genomics
Classification: Uncertain significance. Review status: criteria provided, single submitter. Criteria: ACMG Guidelines, 2015. Collection method: not provided. Allele origin: germline. Inheritance: Unknown mechanism. Affected: yes.

NM_012309.5(SHANK2):c.5185G>A (p.Ala1729Thr)

Gene: SHANK2 (SH3 and multiple ankyrin repeat domains 2; minus strand). Cytogenetic location: 11q13.3.
Variant type: single nucleotide variant.
Coding change: c.5185G>A on transcript NM_012309.5 (MANE Select); coding-DNA position 5185, G replaced by A.
Protein change: p.Ala1729Thr; replaces alanine 1729 with threonine.
Molecular consequence: missense variant. On other transcripts: non-coding transcript variant (1).
Genome position (GRCh38, 1-based): chr11:70,473,234, C>T on the plus strand (G>A on the coding strand, the complement: SHANK2 is on the minus strand). VCF-style: chr11-70473234-C-T. GRCh37 (hg19) VCF-style: chr11-70319339-C-T.
Other names: c.4048G>A, p.Ala1350Thr (NM_001379226.1); c.3421G>A, p.Ala1141Thr (NM_133266.5); short protein forms A1141T, A1350T, A1729T.
Identifiers: ClinVar variation 2672475 (VCV002672475.24), dbSNP rs781786453, ClinGen allele CA6160750.